The following is an entry in ClinVar:

NM_000094.4(COL7A1):c.2803_2804del (p.Ser935fs)

Gene: COL7A1 (collagen type VII alpha 1 chain; minus strand). Cytogenetic location: 3p21.31.
Variant type: Deletion.
Coding change: c.2803_2804del on transcript NM_000094.4 (MANE Select); coding-DNA positions 2803 to 2804, 2 bases deleted (AG; older notation c.2803_2804delAG).
Protein change: p.Ser935fs; shifts the reading frame from serine 935.
Molecular consequence: frameshift variant.
Genome position (GRCh38, 1-based): chr3:48,587,846-48,587,847, CT deleted on the plus strand (AG on the coding strand, the reverse complement: COL7A1 is on the minus strand); deleting any 2 consecutive bases within chr3:48,587,846-48,587,848 gives the same sequence; the c. name uses the placement nearest the transcript's 3' end. VCF-style (leftmost placement, unchanged base first): chr3-48587845-ACT-A. GRCh37 (hg19) VCF-style: chr3-48625278-ACT-A.
Other names: c.2803_2804delAG (NM_000094.3); c.2803_2804del (NM_000094.3); short protein forms S935fs.
Identifiers: ClinVar variation 1189716 (VCV001189716.11), dbSNP rs2045385688, ClinGen allele CA1363088936.

ClinVar aggregate classification (germline): Pathogenic/Likely pathogenic. Review status: criteria provided, multiple submitters, no conflicts (2 of 4 stars). 4 submissions from 4 submitters: Pathogenic (3); Likely pathogenic (1). Last evaluated 2025-03-17.

Conditions:
Recessive dystrophic epidermolysis bullosa (RDEB). Also called: DYSTROPHIC EPIDERMOLYSIS BULLOSA, AUTOSOMAL RECESSIVE; EPIDERMOLYSIS BULLOSA DYSTROPHICA, HALLOPEAU-SIEMENS TYPE; EPIDERMOLYSIS BULLOSA DYSTROPHICA, GENERALIZED SEVERE, AUTOSOMAL RECESSIVE; Epidermolysis Bullosa Distrophica Autosomal Recessive (RDEB); epidermolysis bullosa dystrophica, autosomal recessive; Recessive DEB (RDEB). Identifiers: Orphanet 79408, Orphanet 79409, MedGen C0079474, MONDO:0009179, OMIM 226600.
Epidermolysis bullosa dystrophica. Also called: Dystrophic epidermolysis bullosa, Hallopeau-Siemens type (formerly); Dystrophic epidermolysis bullosa. Identifiers: Orphanet 303, MedGen C0079294, MONDO:0006543.

Submissions (4):

Natera, Inc.
Classification: Likely pathogenic for Dystrophic epidermolysis bullosa. Last evaluated: 2025-03-17. Review status: criteria provided, single submitter. Criteria: Natera Variant Classification Schema (03/2026). Collection method: clinical testing. Allele origin: germline.
Comment: The c.2803_2804del variant in COL7A1 is a frameshift variant predicted to shift the reading frame beginning at codon 935 and leads to a stop codon 18 codons downstream. This variant is expected to result in nonsense mediated decay, truncation, or a dysfunctional protein product. This variant is rare in the general population with a frequency below the threshold expected for the associated phenotype(s). Given the available evidence, this variant is classified as Likely Pathogenic.

Myriad Genetics, Inc.
Classification: Pathogenic for Recessive dystrophic epidermolysis bullosa. Last evaluated: 2025-01-03. Review status: criteria provided, single submitter. Criteria: Myriad Autosomal Dominant, Autosomal Recessive and X-Linked Classification Criteria (2023). Collection method: clinical testing. Allele origin: unknown.
Comment: NM_000094.3(COL7A1):c.2803_2804delAG(S935Cfs*18) is expected to be pathogenic in the context of dystrophic epidermolysis bullosa. This variant is predicted to lead to an abnormal or absent protein product due to the creation of a premature termination codon in COL7A1, a gene where loss-of-function variants are known to be pathogenic. Please note: this variant was assessed in the context of healthy population screening.

Labcorp Genetics (formerly Invitae), Labcorp
Classification: Pathogenic. Last evaluated: 2023-01-05. Review status: criteria provided, single submitter. Criteria: Invitae Variant Classification Sherloc (09022015). Collection method: clinical testing. Allele origin: germline.
Comment: For these reasons, this variant has been classified as Pathogenic. ClinVar contains an entry for this variant (Variation ID: 1189716). This variant has not been reported in the literature in individuals affected with COL7A1-related conditions. This variant is not present in population databases (gnomAD no frequency). This sequence change creates a premature translational stop signal (p.Ser935Cysfs*18) in the COL7A1 gene. It is expected to result in an absent or disrupted protein product. Loss-of-function variants in COL7A1 are known to be pathogenic (PMID: 16971478).

GeneDx
Classification: Pathogenic. Last evaluated: 2020-08-11. Review status: criteria provided, single submitter. Criteria: GeneDx Variant Classification Process June 2021. Collection method: clinical testing. Allele origin: germline. Affected: yes.
Comment: Frameshift variant predicted to result in protein truncation or nonsense mediated decay in a gene for which loss-of-function is a known mechanism of disease; Not observed in large population cohorts (Lek et al., 2016); Has not been previously published as pathogenic or benign to our knowledge

Literature cited by the submitters: PubMed 16971478 (cited by Labcorp Genetics (formerly Invitae), Labcorp).